The following is an entry in ClinVar:

NM_004787.4(SLIT2):c.4542C>T (p.Asp1514=)

Gene: SLIT2 (slit guidance ligand 2; plus strand). Cytogenetic location: 4p15.31.
Variant type: single nucleotide variant.
Coding change: c.4542C>T on transcript NM_004787.4 (MANE Select); coding-DNA position 4542, C replaced by T.
Protein change: p.Asp1514=; no amino-acid change (aspartic acid 1514 retained).
Molecular consequence: synonymous variant.
Genome position (GRCh38, 1-based): chr4:20,618,961, C>T. VCF-style: chr4-20618961-C-T. GRCh37 (hg19) VCF-style: chr4-20620584-C-T.
Other names: c.4530C>T, p.Asp1510= (NM_001289135.3); c.4518C>T, p.Asp1506= (NM_001289136.3); c.4542C>T (NM_004787.3).
Identifiers: ClinVar variation 2043554 (VCV002043554.6), dbSNP rs746191825, ClinGen allele CA2872479.

ClinVar aggregate classification (germline): Likely benign. Review status: criteria provided, single submitter (1 of 4 stars). 2 submissions from 2 submitters: Likely benign (1). 1 of the submissions does not count toward it. Last evaluated 2022-09-06.

Conditions:
SLIT2-related disorder. Also called: SLIT2-related condition.

Allele frequency attached by ClinVar (database versions not stated): gnomAD exomes 0.00001; ExAC 0.00002; gnomAD 0.00005.
gnomAD v4.1: 41 of 1,613,862 alleles (0.0025%); highest among the groups gnomAD compares: Admixed American, 0.015%; no homozygotes.

Submissions (2):

Labcorp Genetics (formerly Invitae), Labcorp
Classification: Likely benign. Last evaluated: 2022-09-06. Review status: criteria provided, single submitter. Criteria: Invitae Variant Classification Sherloc (09022015). Collection method: clinical testing. Allele origin: germline.

PreventionGenetics, part of Exact Sciences
Classification: Likely benign for SLIT2-related condition. Last evaluated: 2021-06-24. Review status: no assertion criteria provided. Collection method: clinical testing. Allele origin: germline. Not counted in ClinVar's aggregate classification.
Comment: This variant is classified as likely benign based on ACMG/AMP sequence variant interpretation guidelines (Richards et al. 2015 PMID: 25741868, with internal and published modifications).